The following is an entry in ClinVar:

ClinVar aggregate classification (germline): Uncertain significance (1 of 4 stars; one submission).

Submission:

GeneDx
Classification: Uncertain significance. Last evaluated: 2023-02-15. Review status: criteria provided, single submitter. Criteria: GeneDx Variant Classification Process June 2021. Collection method: clinical testing. Allele origin: germline. Affected: yes.
Comment: In-frame deletion of 5 amino acids in a non-repeat region; In silico analysis supports that this variant does not alter protein structure/function; Has not been previously published as pathogenic or benign to our knowledge; Not observed at significant frequency in large population cohorts (gnomAD)

NM_016312.3(WBP11):c.1237_1251del (p.Leu413_Pro417del)

Gene: WBP11 (WW domain binding protein 11; minus strand). Cytogenetic location: 12p12.3.
Variant type: Deletion.
Coding change: c.1237_1251del on transcript NM_016312.3 (MANE Select); coding-DNA positions 1237 to 1251, 15 bases deleted (CTTGGACCACCACCT).
Protein change: p.Leu413_Pro417del.
Molecular consequence: inframe deletion.
Genome position (GRCh38, 1-based): chr12:14,790,514-14,790,528, AGGTGGTGGTCCAAG deleted on the plus strand (CTTGGACCACCACCT on the coding strand, the reverse complement: WBP11 is on the minus strand); deleting any 15 consecutive bases within chr12:14,790,514-14,790,540 gives the same sequence; the c. name uses the placement nearest the transcript's 3' end. VCF-style (leftmost placement, unchanged base first): chr12-14790513-CAGGTGGTGGTCCAAG-C. GRCh37 (hg19) VCF-style: chr12-14943447-CAGGTGGTGGTCCAAG-C.
Identifiers: ClinVar variation 2576951 (VCV002576951.1), dbSNP rs1420921393, ClinGen allele CA2512976242.
Genomic context (GRCh38, chr12:14,790,513, plus strand): 5'-TACCTGGAGGTGGACCAGGAGGAAGGCCTGTAGGTGGCCCAGGAGGCCGTAATGGTGGAG[CAGGTGGTGGTCCAAG>C]AGGTGGTGGTCCTGGCATGGGAGGTGCTTGTATCTGAGAAGGAGGAACAGACTGCGGCGG-3'